The following is an entry in ClinVar:

ClinVar aggregate classification (germline): Uncertain significance. Review status: criteria provided, multiple submitters, no conflicts (2 of 4 stars). 5 submissions from 5 submitters: Uncertain significance (4). 1 of the submissions does not count toward it. Last evaluated 2022-10-25.

Conditions:
Spastic paraplegia. Identifiers: MedGen C0037772, HP:0001258.
Charlevoix-Saguenay spastic ataxia (SACS). Also called: SPASTIC ATAXIA 6, AUTOSOMAL RECESSIVE; Spastic ataxia of Charlevoix-Saguenay; AUTOSOMAL RECESSIVE SPASTIC ATAXIA OF CHARLEVOIX-SAGUENAY. Identifiers: Orphanet 98, MedGen C1849140, MONDO:0010041, OMIM 270550.

Allele frequency attached by ClinVar (database versions not stated): gnomAD 0.00005 and 0.00006; TOPMed 0.00005; gnomAD exomes 0.00007 and 0.00009; ExAC 0.00009; ESP Exome Variant Server 0.00023.

Submissions (5):

Labcorp Genetics (formerly Invitae), Labcorp
Classification: Uncertain significance for Spastic paraplegia. Last evaluated: 2022-10-25. Review status: criteria provided, single submitter. Criteria: Invitae Variant Classification Sherloc (09022015). Collection method: clinical testing. Allele origin: germline.
Comment: This sequence change replaces tryptophan, which is neutral and slightly polar, with cysteine, which is neutral and slightly polar, at codon 144 of the SACS protein (p.Trp144Cys). This variant is present in population databases (rs368570790, gnomAD 0.02%). This variant has not been reported in the literature in individuals affected with SACS-related conditions. ClinVar contains an entry for this variant (Variation ID: 649566). Advanced modeling of protein sequence and biophysical properties (such as structural, functional, and spatial information, amino acid conservation, physicochemical variation, residue mobility, and thermodynamic stability) has been performed at Invitae for this missense variant, however the output from this modeling did not meet the statistical confidence thresholds required to predict the impact of this variant on SACS protein function. In summary, the available evidence is currently insufficient to determine the role of this variant in disease. Therefore, it has been classified as a Variant of Uncertain Significance.

Genome-Nilou Lab
Classification: Uncertain significance for Charlevoix-Saguenay spastic ataxia. Last evaluated: 2021-09-05. Review status: criteria provided, single submitter. Criteria: ACMG Guidelines, 2015. Collection method: clinical testing. Allele origin: germline. Affected: no.

Athena Diagnostics
Classification: Uncertain significance. Last evaluated: 2020-11-10. Review status: criteria provided, single submitter. Criteria: Athena Diagnostics criteria. Collection method: clinical testing. Allele origin: unknown.

CeGaT Center for Human Genetics Tuebingen
Classification: Uncertain significance. Last evaluated: 2019-05-01. Review status: criteria provided, single submitter. Criteria: CeGaT Center For Human Genetics Tuebingen Variant Classification Criteria Version 2. Collection method: clinical testing. Allele origin: germline. Affected: yes. Observed: 1 variant allele.

Natera, Inc.
Classification: Uncertain significance for Charlevoix-Saguenay type spastic ataxia. Last evaluated: 2020-01-17. Review status: no assertion criteria provided. Collection method: clinical testing. Allele origin: germline. Not counted in ClinVar's aggregate classification.

NM_014363.6(SACS):c.432G>T (p.Trp144Cys)

Gene: SACS (sacsin molecular chaperone; minus strand). Cytogenetic location: 13q12.12.
Variant type: single nucleotide variant.
Coding change: c.432G>T on transcript NM_014363.6 (MANE Select); coding-DNA position 432, G replaced by T.
Protein change: p.Trp144Cys; replaces tryptophan 144 with cysteine.
Molecular consequence: missense variant. On other transcripts: 5 prime UTR variant (1).
Genome position (GRCh38, 1-based): chr13:23,365,191, C>A on the plus strand (G>T on the coding strand, the complement: SACS is on the minus strand). VCF-style: chr13-23365191-C-A. GRCh37 (hg19) VCF-style: chr13-23939330-C-A.
Other names: c.-10G>T (NM_001278055.2); c.432G>T (NM_014363.4); short protein forms W144C.
Identifiers: ClinVar variation 649566 (VCV000649566.48), dbSNP rs368570790, ClinGen allele CA6912094.